The following is an entry in ClinVar:

NM_001376.5(DYNC1H1):c.11273G>A (p.Gly3758Glu)

Gene: DYNC1H1 (dynein cytoplasmic 1 heavy chain 1; plus strand). Cytogenetic location: 14q32.31.
Variant type: single nucleotide variant.
Coding change: c.11273G>A on transcript NM_001376.5 (MANE Select); coding-DNA position 11273, G replaced by A.
Protein change: p.Gly3758Glu; replaces glycine 3758 with glutamic acid.
Molecular consequence: missense variant.
Genome position (GRCh38, 1-based): chr14:102,039,067, G>A. VCF-style: chr14-102039067-G-A. GRCh37 (hg19) VCF-style: chr14-102505404-G-A.
Other names: short protein forms G3758E.
Identifiers: ClinVar variation 2499215 (VCV002499215.1), dbSNP rs2503844433, ClinGen allele CA391033180.

ClinVar aggregate classification (germline): Uncertain significance (1 of 4 stars; one submission).

Submission:

GeneDx
Classification: Uncertain significance. Last evaluated: 2022-10-14. Review status: criteria provided, single submitter. Criteria: GeneDx Variant Classification Process June 2021. Collection method: clinical testing. Allele origin: germline. Affected: yes.
Comment: Not observed at significant frequency in large population cohorts (gnomAD); In silico analysis supports that this missense variant has a deleterious effect on protein structure/function; Has not been previously published as pathogenic or benign to our knowledge; This variant is associated with the following publications: (PMID: 26100331, 25609763, 25512093)